The following is an entry in ClinVar:

ClinVar aggregate classification (germline): Uncertain significance (1 of 4 stars; one submission).

Conditions:
Emery-Dreifuss muscular dystrophy 4, autosomal dominant (EDMD4). Also called: EMERY-DREIFUSS MUSCULAR DYSTROPHY 4 WITH VARIABLE FEATURES. Identifiers: Orphanet 261, MedGen C2751807, MONDO:0013071, OMIM 612998.
Autosomal recessive ataxia, Beauce type. Also called: Spinocerebellar ataxia, autosomal recessive 8; ATAXIA, RECESSIVE, OF BEAUCE; SYNE1 Deficiency; SYNE1-Related Autosomal Recessive Cerebellar Ataxia. Identifiers: Orphanet 88644, MedGen C1853116, MONDO:0012549, OMIM 610743.

Allele frequency attached by ClinVar (database versions not stated): gnomAD 0.00001; gnomAD exomes below 0.00001; TOPMed below 0.00001.
gnomAD v4.1: 3 of 1,599,194 alleles (0.00019%); highest among the groups gnomAD compares: Non-Finnish European, 0.00026%; no homozygotes.

Submission:

Labcorp Genetics (formerly Invitae), Labcorp
Classification: Uncertain significance for Emery-Dreifuss muscular dystrophy 4, autosomal dominant; Autosomal recessive ataxia, Beauce type. Last evaluated: 2021-09-01. Review status: criteria provided, single submitter. Criteria: Invitae Variant Classification Sherloc (09022015). Collection method: clinical testing. Allele origin: germline.
Comment: This sequence change replaces lysine with arginine at codon 328 of the SYNE1 protein (p.Lys328Arg). The lysine residue is moderately conserved and there is a small physicochemical difference between lysine and arginine. This variant is not present in population databases (ExAC no frequency). This variant has not been reported in the literature in individuals affected with SYNE1-related conditions. Algorithms developed to predict the effect of missense changes on protein structure and function output the following: SIFT: "Tolerated"; PolyPhen-2: "Benign"; Align-GVGD: "Class C0". The arginine amino acid residue is found in multiple mammalian species, which suggests that this missense change does not adversely affect protein function. In summary, the available evidence is currently insufficient to determine the role of this variant in disease. Therefore, it has been classified as a Variant of Uncertain Significance.

NM_182961.4(SYNE1):c.962A>G (p.Lys321Arg)

Gene: SYNE1 (spectrin repeat containing nuclear envelope protein 1; minus strand). Cytogenetic location: 6q25.2.
Variant type: single nucleotide variant.
Coding change: c.962A>G on transcript NM_182961.4 (MANE Select); coding-DNA position 962, A replaced by G.
Protein change: p.Lys321Arg; replaces lysine 321 with arginine.
Molecular consequence: missense variant.
Genome position (GRCh38, 1-based): chr6:152,488,481, T>C on the plus strand (A>G on the coding strand, the complement: SYNE1 is on the minus strand). VCF-style: chr6-152488481-T-C. GRCh37 (hg19) VCF-style: chr6-152809616-T-C.
Other names: c.983A>G, p.Lys328Arg (NM_033071.5); short protein forms K321R, K328R.
Identifiers: ClinVar variation 1044864 (VCV001044864.6), dbSNP rs1295360409, ClinGen allele CA366144598.